The following is an entry in ClinVar:

ClinVar aggregate classification (germline): Likely pathogenic (1 of 4 stars; one submission).

gnomAD v4.1: 3 of 1,614,062 alleles (0.00019%); highest among the groups gnomAD compares: Non-Finnish European, 0.00025%; no homozygotes.

Submission:

CeGaT Center for Human Genetics Tuebingen
Classification: Likely pathogenic. Last evaluated: 2025-06-01. Review status: criteria provided, single submitter. Criteria: CeGaT Center For Human Genetics Tuebingen Variant Classification Criteria Version 2. Collection method: clinical testing. Allele origin: germline. Affected: yes. Observed: 4 variant alleles.
Comment: TBXAS1: PVS1:Strong, PM2

NM_001061.7(TBXAS1):c.819+1G>A

Gene: TBXAS1 (thromboxane A synthase 1; plus strand). Cytogenetic location: 7q34.
Variant type: single nucleotide variant.
Coding change: c.819+1G>A on transcript NM_001061.7 (MANE Select); the canonical splice donor site of the intron after coding-DNA position 819, G replaced by A.
Molecular consequence: splice donor variant.
Genome position (GRCh38, 1-based): chr7:139,957,765, G>A. VCF-style: chr7-139957765-G-A. GRCh37 (hg19) VCF-style: chr7-139657564-G-A.
Other names: c.819+1G>A (NM_001130966.5, NM_030984.6); c.618+1G>A (NM_001166254.4); c.762+1G>A (NM_001314028.4); c.957+1G>A (NM_001166253.4); c.636+1G>A (NM_001366537.3).
Identifiers: ClinVar variation 3341863 (VCV003341863.16).